The following is an entry in ClinVar:

NM_007126.5(VCP):c.1648A>G (p.Met550Val)

Gene: VCP (valosin containing protein; minus strand). Cytogenetic location: 9p13.3.
Variant type: single nucleotide variant.
Coding change: c.1648A>G on transcript NM_007126.5 (MANE Select); coding-DNA position 1648, A replaced by G.
Protein change: p.Met550Val; replaces methionine 550 with valine.
Molecular consequence: missense variant.
Genome position (GRCh38, 1-based): chr9:35,060,360, T>C on the plus strand (A>G on the coding strand, the complement: VCP is on the minus strand). VCF-style: chr9-35060360-T-C. GRCh37 (hg19) VCF-style: chr9-35060357-T-C.
Other names: c.1513A>G, p.Met505Val (NM_001354927.2, NM_001354928.2); short protein forms M505V, M550V.
Identifiers: ClinVar variation 3749972 (VCV003749972.2).
Genomic context (GRCh38, chr9:35,060,360, plus strand): 5'-TATTGTAGCTCACCTTGTCAAAGATTTCTCTGACATTGGCCTCAGACTCCCCAAACCACA[T>C]GGTGAGCAGCTCAGGACCCTTGATGGAGATGAAGTTGGCCTGGCATTCATTAGCAATGGC-3'
Protein context (NP_009057.1, residues 540-560): ISIKGPELLT[Met550Val]WFGESEANVR

ClinVar aggregate classification (germline): Uncertain significance (1 of 4 stars; one submission).

Conditions:
Inclusion body myopathy with Paget disease of bone and frontotemporal dementia. Also called: Inclusion body myopathy with early-onset Paget disease and frontotemporal dementia. Identifiers: Orphanet 52430, MedGen C1833662, MONDO:0000507.
Frontotemporal dementia and/or amyotrophic lateral sclerosis 6 (FTDALS6). Also called: VCP-Related Amyotrophic Lateral Sclerosis/Frontotemporal Dementia; VCP-Related Amyotrophic Lateral Sclerosis. Identifiers: Orphanet 275872, Orphanet 803, MedGen C5436279, MONDO:0013501, OMIM 613954.

Submission:

Labcorp Genetics (formerly Invitae), Labcorp
Classification: Uncertain significance for Inclusion body myopathy with Paget disease of bone and frontotemporal dementia; Frontotemporal dementia and/or amyotrophic lateral sclerosis 6. Last evaluated: 2024-11-27. Review status: criteria provided, single submitter. Criteria: Invitae Variant Classification Sherloc (09022015). Collection method: clinical testing. Allele origin: germline.
Comment: This sequence change replaces methionine, which is neutral and non-polar, with valine, which is neutral and non-polar, at codon 550 of the VCP protein (p.Met550Val). This variant is present in population databases (rs753528183, gnomAD 0.0009%). This variant has not been reported in the literature in individuals affected with VCP-related conditions. Invitae Evidence Modeling of protein sequence and biophysical properties (such as structural, functional, and spatial information, amino acid conservation, physicochemical variation, residue mobility, and thermodynamic stability) has been performed for this missense variant. However, the output from this modeling did not meet the statistical confidence thresholds required to predict the impact of this variant on VCP protein function. In summary, the available evidence is currently insufficient to determine the role of this variant in disease. Therefore, it has been classified as a Variant of Uncertain Significance.